The following is an entry in ClinVar:

NM_000554.6(CRX):c.*966G>C

Gene: CRX (cone-rod homeobox; plus strand). Cytogenetic location: 19q13.33.
Variant type: single nucleotide variant.
Coding change: c.*966G>C on transcript NM_000554.6 (MANE Select); 966 bases downstream of the stop codon, G replaced by C.
Molecular consequence: 3 prime UTR variant.
Genome position (GRCh38, 1-based): chr19:47,840,933, G>C. VCF-style: chr19-47840933-G-C. GRCh37 (hg19) VCF-style: chr19-48344190-G-C.
Identifiers: ClinVar variation 329730 (VCV000329730.6), dbSNP rs3933489, ClinGen allele CA10652163.

ClinVar aggregate classification (germline): Benign. Review status: criteria provided, multiple submitters, no conflicts (2 of 4 stars). 4 submissions from 2 submitters: Benign (4). Last evaluated 2018-01-13.

Conditions:
Retinitis pigmentosa (RP). Identifiers: Orphanet 791, MedGen C0035334, MeSH D012174, MONDO:0019200, OMIM 268000. Inheritance: Autosomal dominant, autosomal recessive and X linked inheritance.
Leber congenital amaurosis 7 (LCA7). Identifiers: Orphanet 65, MedGen C3151192, MONDO:0013449, OMIM 613829.
Cone-rod dystrophy 2 (CORD2). Also called: CONE-ROD RETINAL DYSTROPHY; Cone-rod retinal dystrophy 2. Identifiers: Orphanet 1872, MedGen C3489532, MONDO:0007362, OMIM 120970.

Allele frequency attached by ClinVar (database versions not stated): 1000 Genomes Project 0.27676; 1000 Genomes Project 30x 0.28201; TOPMed 0.35044; gnomAD 0.35471 and 0.35856.

Submissions (4):

Illumina Laboratory Services, Illumina
Classification: Benign for Leber congenital amaurosis 7. Last evaluated: 2018-01-13. Review status: criteria provided, single submitter. Criteria: ICSL Variant Classification Criteria 13 December 2019. Collection method: clinical testing. Allele origin: germline.
Comment: This variant was observed in the ICSL laboratory as part of a predisposition screen in an ostensibly healthy population. It had not been previously curated by ICSL or reported in the Human Gene Mutation Database (HGMD: prior to June 1st, 2018), and was therefore a candidate for classification through an automated scoring system. Utilizing variant allele frequency, disease prevalence and penetrance estimates, and inheritance mode, an automated score was calculated to assess if this variant is too frequent to cause the disease. Based on the score and internal cut-off values, a variant classified as benign is not then subjected to further curation. The score for this variant resulted in a classification of benign for this disease.

Illumina Laboratory Services, Illumina
Classification: Benign for Cone-rod dystrophy 2. Last evaluated: 2018-01-13. Review status: criteria provided, single submitter. Criteria: ICSL Variant Classification Criteria 13 December 2019. Collection method: clinical testing. Allele origin: germline.
Comment: the same text as in the submission from Illumina Laboratory Services, Illumina above.

Illumina Laboratory Services, Illumina
Classification: Benign for Retinitis pigmentosa. Last evaluated: 2018-01-13. Review status: criteria provided, single submitter. Criteria: ICSL Variant Classification Criteria 13 December 2019. Collection method: clinical testing. Allele origin: germline.
Comment: the same text as in the submission from Illumina Laboratory Services, Illumina above.

Breakthrough Genomics
Classification: Benign. Review status: criteria provided, single submitter. Criteria: ACMG Guidelines, 2015. Collection method: not provided. Allele origin: germline. Inheritance: Autosomal dominant inheritance. Affected: yes.